The following is an entry in ClinVar:

ClinVar aggregate classification (germline): Uncertain significance. Review status: criteria provided, multiple submitters, no conflicts (2 of 4 stars). 2 submissions from 2 submitters: Uncertain significance (2). Last evaluated 2024-04-16.

Conditions:
Inborn genetic diseases. Identifiers: MedGen C0950123, MeSH D030342.
Malignant hyperthermia, susceptibility to, 1 (MHS1). Also called: Anesthesia related hyperthermia; Malignant hyperpyrexia; Fulminating hyperpyrexia; Pharmacogenic myopathy; RYR1-Related Malignant Hyperthermia Susceptibility; Malignant hyperthermia suceptibility 1. Identifiers: Orphanet 423, MedGen C2930980, MONDO:0007783, OMIM 145600.

Allele frequency attached by ClinVar (database versions not stated): gnomAD exomes below 0.00001.
gnomAD v4.1: 1 of 1,613,982 alleles (0.000062%); highest among the groups gnomAD compares: Non-Finnish European, 0.000085%; no homozygotes.

Submissions (2):

All of Us Research Program, National Institutes of Health
Classification: Uncertain significance for Malignant hyperthermia, susceptibility to, 1. Last evaluated: 2024-04-16. Review status: criteria provided, single submitter. Criteria: ACMG Guidelines, 2015. Collection method: clinical testing. Allele origin: germline. Inheritance: Autosomal dominant inheritance. Observed: 1 variant allele, 1 heterozygote.
Comment: This missense variant replaces serine with threonine at codon 318 of the RYR1 protein. Computational prediction is inconclusive regarding the impact of this variant on protein structure and function (internally defined REVEL score threshold 0.5 < inconclusive < 0.7, PMID: 27666373). To our knowledge, functional studies have not been reported for this variant. This variant has not been reported in individuals affected with RYR1-related disorders in the literature. This variant has not been identified in the general population by the Genome Aggregation Database (gnomAD). The available evidence is insufficient to determine the role of this variant in disease conclusively. Therefore, this variant is classified as a Variant of Uncertain Significance.

This study involves interpretation of variants in research participants for the purpose of population health screening. Participant phenotype was not available at the time of variant classification. Additional details can be found in publication PMID: 35346344, PMCID: PMC8962531

Ambry Genetics
Classification: Uncertain significance for Inborn genetic diseases. Last evaluated: 2023-12-21. Review status: criteria provided, single submitter. Criteria: Ambry Variant Classification Scheme 2023. Collection method: clinical testing. Allele origin: germline.

NM_000540.3(RYR1):c.952T>A (p.Ser318Thr)

Gene: RYR1 (ryanodine receptor 1; plus strand). Cytogenetic location: 19q13.2.
Variant type: single nucleotide variant.
Coding change: c.952T>A on transcript NM_000540.3 (MANE Select); coding-DNA position 952, T replaced by A.
Protein change: p.Ser318Thr; replaces serine 318 with threonine.
Molecular consequence: missense variant.
Genome position (GRCh38, 1-based): chr19:38,448,506, T>A. VCF-style: chr19-38448506-T-A. GRCh37 (hg19) VCF-style: chr19-38939146-T-A.
Other names: c.952T>A, p.Ser318Thr (NM_001042723.2); short protein forms S318T.
Identifiers: ClinVar variation 3157348 (VCV003157348.2), dbSNP rs2513995637, ClinGen allele CA405682467.